The following is an entry in ClinVar:

ClinVar aggregate classification (germline): Pathogenic (1 of 4 stars; one submission).

Allele frequency attached by ClinVar (database versions not stated): gnomAD 0.00001.
gnomAD v4.1: 1 of 1,611,570 alleles (0.000062%); highest among the groups gnomAD compares: East Asian, 0.0022%; no homozygotes.

Submission:

GeneDx
Classification: Pathogenic. Last evaluated: 2025-03-28. Review status: criteria provided, single submitter. Criteria: GeneDx Variant Classification Process June 2021. Collection method: clinical testing. Allele origin: germline. Affected: yes.
Comment: Nonsense variant predicted to result in protein truncation or nonsense mediated decay in a gene for which loss of function is a known mechanism of disease; Not observed in large population cohorts (gnomAD); Has not been previously published as pathogenic or benign to our knowledge

NM_001170629.2(CHD8):c.4429C>T (p.Arg1477Ter)

Gene: CHD8 (chromodomain helicase DNA binding protein 8; minus strand). Cytogenetic location: 14q11.2.
Variant type: single nucleotide variant.
Coding change: c.4429C>T on transcript NM_001170629.2 (MANE Select); coding-DNA position 4429, C replaced by T.
Protein change: p.Arg1477Ter; replaces arginine 1477 with a stop codon.
Molecular consequence: nonsense.
Genome position (GRCh38, 1-based): chr14:21,400,554, G>A on the plus strand (C>T on the coding strand, the complement: CHD8 is on the minus strand). VCF-style: chr14-21400554-G-A. GRCh37 (hg19) VCF-style: chr14-21868713-G-A.
Other names: c.3592C>T, p.Arg1198Ter (NM_020920.4); short protein forms R1198*, R1477*.
Identifiers: ClinVar variation 1201424 (VCV001201424.4), dbSNP rs1555314390, ClinGen allele CA388894129.
Genomic context (GRCh38, chr14:21,400,554, plus strand): 5'-CCCCACGGTAGTGTAGAAGACAGTACACGAGAATGGCCCGACAAATGGTCTCCACATCTC[G>A]TTCAGTCATACGTCGCTTGAAGCGTCCATGAGATAAAATATCTCGCCATCGTCCCCAACT-3'